The following is an entry in ClinVar:

NM_014714.4(IFT140):c.3271-4G>A

Gene: IFT140 (intraflagellar transport 140; minus strand). Cytogenetic location: 16p13.3.
Variant type: single nucleotide variant.
Coding change: c.3271-4G>A on transcript NM_014714.4 (MANE Select); 4 bases into the intron before coding-DNA position 3271, G replaced by A.
Molecular consequence: intron variant.
Genome position (GRCh38, 1-based): chr16:1,523,704, C>T on the plus strand (G>A on the coding strand, the complement: IFT140 is on the minus strand). VCF-style: chr16-1523704-C-T. GRCh37 (hg19) VCF-style: chr16-1573705-C-T.
Identifiers: ClinVar variation 318014 (VCV000318014.18), dbSNP rs200815296, ClinGen allele CA7813207.

ClinVar aggregate classification (germline): Conflicting classifications of pathogenicity. Review status: criteria provided, conflicting classifications (1 of 4 stars). 4 submissions from 4 submitters: Uncertain significance (1); Likely benign (2). 1 of the submissions does not count toward it. Last evaluated 2026-01-26.

Conditions:
IFT140-related disorder. Also called: IFT140-related condition.
Saldino-Mainzer syndrome (SRTD9). Also called: short-rib thoracic dysplasia 9 with or without polydactyly; CONORENAL SYNDROME; Renal dysplasia, retinal pigmentary dystrophy, cerebellar ataxia and skeletal dysplasia; SHORT-RIB THORACIC DYSPLASIA 9 WITHOUT POLYDACTYLY. Identifiers: Orphanet 140969, MedGen C1849437, MONDO:0009964, OMIM 266920.

Allele frequency attached by ClinVar (database versions not stated): ESP Exome Variant Server 0.00015; gnomAD 0.00021; TOPMed 0.00028; gnomAD exomes 0.00046; ExAC 0.00049.
gnomAD v4.1: 374 of 1,612,474 alleles (0.023%); highest among the groups gnomAD compares: Admixed American, 0.067%; no homozygotes.

Submissions (4):

Labcorp Genetics (formerly Invitae), Labcorp
Classification: Likely benign for Saldino-Mainzer syndrome. Last evaluated: 2026-01-26. Review status: criteria provided, single submitter. Criteria: Invitae Variant Classification Sherloc (09022015). Collection method: clinical testing. Allele origin: germline.

Blueprint Genetics
Classification: Likely benign. Last evaluated: 2024-11-26. Review status: criteria provided, single submitter. Criteria: ACMG Guidelines, 2015. Collection method: clinical testing. Allele origin: germline.

Illumina Laboratory Services, Illumina
Classification: Uncertain significance for Saldino-Mainzer syndrome. Last evaluated: 2018-01-13. Review status: criteria provided, single submitter. Criteria: ICSL Variant Classification Criteria 13 December 2019. Collection method: clinical testing. Allele origin: germline.

PreventionGenetics, part of Exact Sciences
Classification: Likely benign for IFT140-related condition. Last evaluated: 2019-09-19. Review status: no assertion criteria provided. Collection method: clinical testing. Allele origin: germline. Not counted in ClinVar's aggregate classification.
Comment: This variant is classified as likely benign based on ACMG/AMP sequence variant interpretation guidelines (Richards et al. 2015 PMID: 25741868, with internal and published modifications).